The following is an entry in ClinVar:

NM_000350.3(ABCA4):c.70C>G (p.Arg24Gly)

Gene: ABCA4 (ATP binding cassette subfamily A member 4; minus strand). Cytogenetic location: 1p22.1.
Variant type: single nucleotide variant.
Coding change: c.70C>G on transcript NM_000350.3 (MANE Select); coding-DNA position 70, C replaced by G.
Protein change: p.Arg24Gly; replaces arginine 24 with glycine.
Molecular consequence: missense variant.
Genome position (GRCh38, 1-based): chr1:94,113,063, G>C on the plus strand (C>G on the coding strand, the complement: ABCA4 is on the minus strand). VCF-style: chr1-94113063-G-C. GRCh37 (hg19) VCF-style: chr1-94578619-G-C.
Other names: c.70C>G, p.Arg24Gly (NM_001425324.1); short protein forms R24G.
Identifiers: ClinVar variation 857107 (VCV000857107.9), dbSNP rs62645942, ClinGen allele CA341286901.

ClinVar aggregate classification (germline): Likely pathogenic (1 of 4 stars; one submission).

Submission:

Labcorp Genetics (formerly Invitae), Labcorp
Classification: Likely pathogenic. Last evaluated: 2022-06-13. Review status: criteria provided, single submitter. Criteria: Invitae Variant Classification Sherloc (09022015). Collection method: clinical testing. Allele origin: germline.
Comment: ClinVar contains an entry for this variant (Variation ID: 857107). Advanced modeling of protein sequence and biophysical properties (such as structural, functional, and spatial information, amino acid conservation, physicochemical variation, residue mobility, and thermodynamic stability) performed at Invitae indicates that this missense variant is expected to disrupt ABCA4 protein function. This variant disrupts the p.Arg24 amino acid residue in ABCA4. Other variant(s) that disrupt this residue have been determined to be pathogenic (PMID: 15494742, 28559085, 29162642, 30093795). This suggests that this residue is clinically significant, and that variants that disrupt this residue are likely to be disease-causing. In summary, the currently available evidence indicates that the variant is pathogenic, but additional data are needed to prove that conclusively. Therefore, this variant has been classified as Likely Pathogenic. This sequence change replaces arginine, which is basic and polar, with glycine, which is neutral and non-polar, at codon 24 of the ABCA4 protein (p.Arg24Gly). This variant is not present in population databases (gnomAD no frequency). This variant has not been reported in the literature in individuals affected with ABCA4-related conditions.

Literature cited by the submitters: PubMed 15494742; PubMed 28559085; PubMed 29162642; PubMed 30093795.